The following is an entry in ClinVar:

ClinVar aggregate classification (germline): Pathogenic (1 of 4 stars; one submission).

Conditions:
Hereditary sensory and autonomic neuropathy type 6. Also called: HSAN VI; Neuropathy, hereditary sensory and autonomic, type VI. Identifiers: Orphanet 314381, MedGen C3539003, MONDO:0013839, OMIM 614653.
Epidermolysis bullosa simplex 3, localized or generalized intermediate, with BP230 deficiency (EBS3). Also called: Epidermolysis bullosa simplex, autosomal recessive 2; Epidermolysis bullosa simplex due to BP230 deficiency. Identifiers: Orphanet 412181, MedGen C3809470, MONDO:0014180, OMIM 615425.

Submission:

Labcorp Genetics (formerly Invitae), Labcorp
Classification: Pathogenic for Epidermolysis bullosa simplex 3, localized or generalized intermediate, with BP230 deficiency; Hereditary sensory and autonomic neuropathy type 6. Last evaluated: 2021-03-27. Review status: criteria provided, single submitter. Criteria: Invitae Variant Classification Sherloc (09022015). Collection method: clinical testing. Allele origin: germline.
Comment: For these reasons, this variant has been classified as Pathogenic. This variant has not been reported in the literature in individuals with DST-related conditions. This variant is not present in population databases (ExAC no frequency). This sequence change creates a premature translational stop signal (p.Gln4665*) in the DST gene. It is expected to result in an absent or disrupted protein product. The DST gene has multiple clinically relevant transcripts. This variant occurs in alternate transcript NM_015548.4, and corresponds to NM_001723.5:c.*139366C>T in the primary transcript. It is expected to result in an absent or disrupted protein product. Loss-of-function variants in DST are known to be pathogenic (PMID: 22522446, 25059916, 30371979).

Literature cited by the submitters: PubMed 22522446; PubMed 25059916; PubMed 30371979.

NM_001374736.1(DST):c.21862C>T (p.Gln7288Ter)

Gene: DST (dystonin; minus strand). Cytogenetic location: 6p12.1.
Variant type: single nucleotide variant.
Coding change: c.21862C>T on transcript NM_001374736.1 (MANE Select); coding-DNA position 21862, C replaced by T.
Protein change: p.Gln7288Ter; replaces glutamine 7288 with a stop codon.
Molecular consequence: nonsense.
Genome position (GRCh38, 1-based): chr6:56,476,151, G>A on the plus strand (C>T on the coding strand, the complement: DST is on the minus strand). VCF-style: chr6-56476151-G-A. GRCh37 (hg19) VCF-style: chr6-56340949-G-A.
Other names: c.15505C>T, p.Gln5169Ter (NM_001144769.5); c.15091C>T, p.Gln5031Ter (NM_001144770.2); c.21862C>T, p.Gln7288Ter (NM_001374722.1); c.20902C>T, p.Gln6968Ter (NM_001374729.1); c.14644C>T, p.Gln4882Ter (NM_001374730.1); c.21889C>T, p.Gln7297Ter (NM_001374734.1); c.14971C>T, p.Gln4991Ter (NM_001386100.1, NM_183380.4); c.13993C>T, p.Gln4665Ter (NM_015548.5); short protein forms Q4991*, Q6968*, Q4882*, Q5169*, Q7288*, Q7297*, Q4665*, Q5031*.
Identifiers: ClinVar variation 1381303 (VCV001381303.6), dbSNP rs2152409202, ClinGen allele CA364509991.